The following is an entry in ClinVar:

ClinVar aggregate classification (germline): Uncertain significance (1 of 4 stars; one submission).

Conditions:
Myofibrillar myopathy 3 (MFM3). Also called: Autosomal dominant spheroid body myopathy; Muscular dystrophy, proximal, type 1A. Identifiers: Orphanet 266, Orphanet 268129, MedGen C3714934, MONDO:0012215, OMIM 609200.

Allele frequency attached by ClinVar (database versions not stated): ExAC 0.00001; gnomAD exomes 0.00001.
gnomAD v4.1: 7 of 1,614,018 alleles (0.00043%); highest among the groups gnomAD compares: Admixed American, 0.0017%; no homozygotes.

Submission:

Labcorp Genetics (formerly Invitae), Labcorp
Classification: Uncertain significance for Myofibrillar myopathy 3. Last evaluated: 2024-03-07. Review status: criteria provided, single submitter. Criteria: Invitae Variant Classification Sherloc (09022015). Collection method: clinical testing. Allele origin: germline.
Comment: This sequence change replaces cysteine, which is neutral and slightly polar, with tyrosine, which is neutral and polar, at codon 167 of the MYOT protein (p.Cys167Tyr). This variant is present in population databases (rs774223302, gnomAD 0.002%). This variant has not been reported in the literature in individuals affected with MYOT-related conditions. An algorithm developed to predict the effect of missense changes on protein structure and function (PolyPhen-2) suggests that this variant is likely to be tolerated. In summary, the available evidence is currently insufficient to determine the role of this variant in disease. Therefore, it has been classified as a Variant of Uncertain Significance.

NM_006790.3(MYOT):c.500G>A (p.Cys167Tyr)

Genes: MYOT (myotilin; plus strand), PKD2L2-DT (PKD2L2 divergent transcript; minus strand). Cytogenetic location: 5q31.2.
Variant type: single nucleotide variant.
Coding change: c.500G>A on transcript NM_006790.3 (MANE Select); coding-DNA position 500, G replaced by A.
Protein change: p.Cys167Tyr; replaces cysteine 167 with tyrosine.
Molecular consequence: missense variant. On other transcripts: 5 prime UTR variant (1).
Genome position (GRCh38, 1-based): chr5:137,875,972, G>A. VCF-style: chr5-137875972-G-A. GRCh37 (hg19) VCF-style: chr5-137211661-G-A.
Other names: c.-53G>A (NM_001135940.2); c.155G>A, p.Cys52Tyr (NM_001300911.2); short protein forms C167Y, C52Y.
Identifiers: ClinVar variation 2728892 (VCV002728892.3), dbSNP rs774223302, ClinGen allele CA3422920.
Genomic context (GRCh38, chr5:137,875,972, plus strand): 5'-ATCATGAAATACAAGGATCAAAAGAAGCTTTGATTCAAGATTTGGAAAGAAAGCTGAAAT[G>A]CAAGGACACCCTTCTTCATAATGGAAATCAAGTGGGCAAGATGTCTATTTTGTACAAAAG-3'
Protein context (NP_006781.1, residues 157-177): LIQDLERKLK[Cys167Tyr]KDTLLHNGNQ